The following is an entry in ClinVar:

ClinVar aggregate classification (germline): Uncertain significance (1 of 4 stars; one submission).

Allele frequency attached by ClinVar (database versions not stated): TOPMed 0.00001.
gnomAD v4.1: 3 of 1,606,092 alleles (0.00019%); highest among the groups gnomAD compares: Non-Finnish European, 0.00025%; no homozygotes.

Submission:

Labcorp Genetics (formerly Invitae), Labcorp
Classification: Uncertain significance. Last evaluated: 2021-06-30. Review status: criteria provided, single submitter. Criteria: Invitae Variant Classification Sherloc (09022015). Collection method: clinical testing. Allele origin: germline.
Comment: This sequence change replaces serine with isoleucine at codon 781 of the FGFR3 protein (p.Ser781Ile). The serine residue is weakly conserved and there is a large physicochemical difference between serine and isoleucine. This variant is not present in population databases (ExAC no frequency). This variant has not been reported in the literature in individuals affected with FGFR3-related conditions. Algorithms developed to predict the effect of missense changes on protein structure and function (SIFT, PolyPhen-2, Align-GVGD) all suggest that this variant is likely to be tolerated. In summary, the available evidence is currently insufficient to determine the role of this variant in disease. Therefore, it has been classified as a Variant of Uncertain Significance.

NM_000142.5(FGFR3):c.2342G>T (p.Ser781Ile)

Gene: FGFR3 (fibroblast growth factor receptor 3; plus strand). Cytogenetic location: 4p16.3.
Variant type: single nucleotide variant.
Coding change: c.2342G>T on transcript NM_000142.5 (MANE Select); coding-DNA position 2342, G replaced by T.
Protein change: p.Ser781Ile; replaces serine 781 with isoleucine.
Molecular consequence: missense variant. On other transcripts: non-coding transcript variant (1).
Genome position (GRCh38, 1-based): chr4:1,807,183, G>T. VCF-style: chr4-1807183-G-T. GRCh37 (hg19) VCF-style: chr4-1808910-G-T.
Other names: c.2348G>T, p.Ser783Ile (NM_001163213.2); c.2345G>T, p.Ser782Ile (NM_001354809.2); c.2274G>T, p.Gln758His (NM_001354810.2); c.2006G>T, p.Ser669Ile (NM_022965.4); short protein forms Q758H, S669I, S781I, S782I, S783I.
Identifiers: ClinVar variation 1680142 (VCV001680142.8), dbSNP rs764958279, ClinGen allele CA355987648.
Genomic context (GRCh38, chr4:1,807,183, plus strand): 5'-TGGACCTGTCGGCGCCTTTCGAGCAGTACTCCCCGGGTGGCCAGGACACCCCCAGCTCCA[G>T]CTCCTCAGGGGACGACTCCGTGTTTGCCCACGACCTGCTGCCCCCGGCCCCACCCAGCAG-3'
Protein context (NP_000133.1, residues 771-791): SPGGQDTPSS[Ser781Ile]SSGDDSVFAH